The following is an entry in ClinVar:

NM_000214.3(JAG1):c.1923_1925del (p.Gly642del)

Gene: JAG1 (jagged canonical Notch ligand 1; minus strand). Cytogenetic location: 20p12.2.
Variant type: Deletion.
Coding change: c.1923_1925del on transcript NM_000214.3 (MANE Select); coding-DNA positions 1923 to 1925, 3 bases deleted (TGG; older notation c.1923_1925delTGG).
Protein change: p.Gly642del; deletes glycine 642.
Molecular consequence: inframe deletion.
Genome position (GRCh38, 1-based): chr20:10,646,045-10,646,047, CCA deleted on the plus strand (TGG on the coding strand, the reverse complement: JAG1 is on the minus strand); deleting any 3 consecutive bases within chr20:10,646,045-10,646,049 gives the same sequence; the c. name uses the placement nearest the transcript's 3' end. VCF-style (leftmost placement, unchanged base first): chr20-10646044-GCCA-G. GRCh37 (hg19) VCF-style: chr20-10626692-GCCA-G.
Other names: short protein forms G642del.
Identifiers: ClinVar variation 4695513 (VCV004695513.2).

ClinVar aggregate classification (germline): Uncertain significance. Review status: criteria provided, multiple submitters, no conflicts (2 of 4 stars). 2 submissions from 2 submitters: Uncertain significance (2). Last evaluated 2025-03-23.

Conditions:
Alagille syndrome due to a JAG1 point mutation. Also called: HEPATIC DUCTULAR HYPOPLASIA, SYNDROMATIC; Alagille Syndrome 1; JAG1-Related Alagille Syndrome. Identifiers: Orphanet 261619, Orphanet 52, MedGen C1956125, MONDO:0016862, OMIM 118450.

Submissions (2):

Labcorp Genetics (formerly Invitae), Labcorp
Classification: Uncertain significance for Alagille syndrome due to a JAG1 point mutation. Last evaluated: 2025-03-23. Review status: criteria provided, single submitter. Criteria: Invitae Variant Classification Sherloc (09022015). Collection method: clinical testing. Allele origin: germline.
Comment: This variant, c.1923_1925del, results in the deletion of 1 amino acid(s) of the JAG1 protein (p.Gly642del), but otherwise preserves the integrity of the reading frame. This variant is not present in population databases (gnomAD no frequency). This variant has not been reported in the literature in individuals affected with JAG1-related conditions. In summary, the available evidence is currently insufficient to determine the role of this variant in disease. Therefore, it has been classified as a Variant of Uncertain Significance.

Blueprint Genetics
Classification: Uncertain significance. Last evaluated: 2022-02-09. Review status: criteria provided, single submitter. Criteria: ACMG Guidelines, 2015. Collection method: clinical testing. Allele origin: germline.